The following is an entry in ClinVar:

ClinVar aggregate classification (germline): Conflicting classifications of pathogenicity. Review status: criteria provided, conflicting classifications (1 of 4 stars). 3 submissions from 3 submitters: Likely pathogenic (1); Uncertain significance (1). 1 of the submissions does not count toward it. Last evaluated 2024-06-06.

Conditions:
Congenital stationary night blindness. Also called: Early-onset non-progressive night blindness. Identifiers: Orphanet 215, MedGen C0339535, MONDO:0016293, HP:0007642.
GRM6-related disorders.

Submissions (3):

Blueprint Genetics
Classification: Likely pathogenic for GRM6-related disorders. Last evaluated: 2024-06-06. Review status: criteria provided, single submitter. Criteria: ACMG Guidelines, 2015. Collection method: clinical testing. Allele origin: germline. Affected: yes. Observed: 5 variant alleles.

Labcorp Genetics (formerly Invitae), Labcorp
Classification: Uncertain significance. Last evaluated: 2022-09-01. Review status: criteria provided, single submitter. Criteria: Invitae Variant Classification Sherloc (09022015). Collection method: clinical testing. Allele origin: germline.
Comment: This variant, c.118_132del, results in the deletion of 5 amino acid(s) of the GRM6 protein (p.Thr40_Leu44del), but otherwise preserves the integrity of the reading frame. This variant is not present in population databases (gnomAD no frequency). This variant has been observed in individual(s) with congenital stationary night blindness (PMID: 28041643). ClinVar contains an entry for this variant (Variation ID: 437969). Experimental studies and prediction algorithms are not available or were not evaluated, and the functional significance of this variant is currently unknown. In summary, the available evidence is currently insufficient to determine the role of this variant in disease. Therefore, it has been classified as a Variant of Uncertain Significance.

NIHR Bioresource Rare Diseases, University of Cambridge
Classification: Likely pathogenic for Congenital stationary night blindness. Last evaluated: 2015-01-01. Review status: no assertion criteria provided. Collection method: research. Allele origin: unknown. Affected: yes. Observed: 1 variant allele. Not counted in ClinVar's aggregate classification.

Literature cited by the submitters: PubMed 28041643 (cited by Labcorp Genetics (formerly Invitae), Labcorp and NIHR Bioresource Rare Diseases, University of Cambridge).

NM_000843.4(GRM6):c.118_132del (p.Thr40_Leu44del)

Gene: GRM6 (glutamate metabotropic receptor 6; minus strand). Cytogenetic location: 5q35.3.
Variant type: Deletion.
Coding change: c.118_132del on transcript NM_000843.4 (MANE Select); coding-DNA positions 118 to 132, 15 bases deleted (ACGCTGGGCGGCCTG).
Protein change: p.Thr40_Leu44del.
Molecular consequence: inframe deletion.
Genome position (GRCh38, 1-based): chr5:178,994,813-178,994,827, CAGGCCGCCCAGCGT deleted on the plus strand (ACGCTGGGCGGCCTG on the coding strand, the reverse complement: GRM6 is on the minus strand); deleting any 15 consecutive bases within chr5:178,994,813-178,994,837 gives the same sequence; the c. name uses the placement nearest the transcript's 3' end. VCF-style (leftmost placement, unchanged base first): chr5-178994812-ACAGGCCGCCCAGCGT-A. GRCh37 (hg19) VCF-style: chr5-178421813-ACAGGCCGCCCAGCGT-A.
Other names: c.118_132del (NM_000843.3).
Identifiers: ClinVar variation 437969 (VCV000437969.10), dbSNP rs1237461749, ClinGen allele CA564902075.